The following is an entry in ClinVar:

ClinVar aggregate classification (germline): Uncertain significance. Review status: criteria provided, single submitter (1 of 4 stars). 2 submissions from 2 submitters: Uncertain significance (1). 1 of the submissions does not count toward it. Last evaluated 2025-08-03.

Conditions:
XIRP1-related disorder. Also called: XIRP1-related condition.

Allele frequency attached by ClinVar (database versions not stated): ESP Exome Variant Server 0.00054; 1000 Genomes Project 0.00100; 1000 Genomes Project 30x 0.00109.
gnomAD v4.1: 152 of 1,613,040 alleles (0.0094%); highest among the groups gnomAD compares: African/African-American, 0.19%; no homozygotes.

Submissions (2):

Ambry Genetics
Classification: Uncertain significance. Last evaluated: 2025-08-03. Review status: criteria provided, single submitter. Criteria: Ambry Variant Classification Scheme 2023. Collection method: clinical testing. Allele origin: germline.

PreventionGenetics, part of Exact Sciences
Classification: Likely benign for XIRP1-related condition. Last evaluated: 2022-11-15. Review status: no assertion criteria provided. Collection method: clinical testing. Allele origin: germline. Not counted in ClinVar's aggregate classification.
Comment: This variant is classified as likely benign based on ACMG/AMP sequence variant interpretation guidelines (Richards et al. 2015 PMID: 25741868, with internal and published modifications).

NM_194293.4(XIRP1):c.544C>A (p.Pro182Thr)

Gene: XIRP1 (xin actin binding repeat containing 1; minus strand). Cytogenetic location: 3p22.2.
Variant type: single nucleotide variant.
Coding change: c.544C>A on transcript NM_194293.4 (MANE Select); coding-DNA position 544, C replaced by A.
Protein change: p.Pro182Thr; replaces proline 182 with threonine.
Molecular consequence: missense variant. On other transcripts: intron variant (1).
Genome position (GRCh38, 1-based): chr3:39,188,902, G>T on the plus strand (C>A on the coding strand, the complement: XIRP1 is on the minus strand). VCF-style: chr3-39188902-G-T. GRCh37 (hg19) VCF-style: chr3-39230393-G-T.
Other names: c.544C>A, p.Pro182Thr (NM_001198621.4); c.-167-3241C>A (NM_001351377.2); short protein forms P182T.
Identifiers: ClinVar variation 3057436 (VCV003057436.3), dbSNP rs140194759, ClinGen allele CA2326717.
Genomic context (GRCh38, chr3:39,188,902, plus strand): 5'-GGTCCAGCGGCCGCGTCTCAAAGAGCATCCTGGTACCCTGCACATCTCCGCTGGCTGCAG[G>T]CTCCCTCACAGTGGCCTCCAGTTCCTTGGCTTGCCCTGTCAGCTCGTCCAGTGGCTTTGT-3'
Protein context (NP_919269.2, residues 172-192): AKELEATVRE[Pro182Thr]AASGDVQGTR